The following is an entry in ClinVar:

NM_006231.4(POLE):c.901G>C (p.Asp301His)

Gene: POLE (DNA polymerase epsilon, catalytic subunit; minus strand). Cytogenetic location: 12q24.33.
Variant type: single nucleotide variant.
Coding change: c.901G>C on transcript NM_006231.4 (MANE Select); coding-DNA position 901, G replaced by C.
Protein change: p.Asp301His; replaces aspartic acid 301 with histidine.
Molecular consequence: missense variant.
Genome position (GRCh38, 1-based): chr12:132,676,554, C>G on the plus strand (G>C on the coding strand, the complement: POLE is on the minus strand). VCF-style: chr12-132676554-C-G. GRCh37 (hg19) VCF-style: chr12-133253140-C-G.
Other names: short protein forms D301H.
Identifiers: ClinVar variation 3308372 (VCV003308372.1).

ClinVar aggregate classification (germline): Uncertain significance (1 of 4 stars; one submission).

Conditions:
Hereditary cancer-predisposing syndrome. Also called: Neoplastic Syndromes, Hereditary; Tumor predisposition; Hereditary neoplastic syndrome; Hereditary Cancer Syndrome. Identifiers: Orphanet 140162, MedGen C0027672, MeSH D009386, MONDO:0015356.

Submission:

Ambry Genetics
Classification: Uncertain significance for Hereditary cancer-predisposing syndrome. Last evaluated: 2024-04-09. Review status: criteria provided, single submitter. Criteria: Ambry Variant Classification Scheme 2023. Collection method: clinical testing. Allele origin: germline.
Comment: The p.D301H variant (also known as c.901G>C), located in coding exon 9 of the POLE gene, results from a G to C substitution at nucleotide position 901. The aspartic acid at codon 301 is replaced by histidine, an amino acid with similar properties. This amino acid position is conserved. In addition, the in silico prediction for this alteration is inconclusive. Based on the available evidence, the clinical significance of this variant remains unclear.